The following is an entry in ClinVar:

NM_001035.3(RYR2):c.11536C>T (p.Leu3846Phe)

Gene: RYR2 (ryanodine receptor 2; plus strand). Cytogenetic location: 1q43.
Variant type: single nucleotide variant.
Coding change: c.11536C>T on transcript NM_001035.3 (MANE Select); coding-DNA position 11536, C replaced by T.
Protein change: p.Leu3846Phe; replaces leucine 3846 with phenylalanine.
Molecular consequence: missense variant.
Genome position (GRCh38, 1-based): chr1:237,770,866, C>T. VCF-style: chr1-237770866-C-T. GRCh37 (hg19) VCF-style: chr1-237934166-C-T.
Other names: c.11536C>T, p.Leu3846Phe (LRG_402t1); short protein forms L3846F.
Identifiers: ClinVar variation 665089 (VCV000665089.10), dbSNP rs1573882536, ClinGen allele CA345406750.

ClinVar aggregate classification (germline): Uncertain significance (1 of 4 stars; one submission).

Conditions:
Catecholaminergic polymorphic ventricular tachycardia 1. Also called: VENTRICULAR TACHYCARDIA, CATECHOLAMINERGIC POLYMORPHIC, 1, WITH OR WITHOUT ATRIAL DYSFUNCTION AND/OR DILATED CARDIOMYOPATHY; VENTRICULAR TACHYCARDIA, STRESS-INDUCED POLYMORPHIC 1; RYR2-Related Catecholaminergic Polymorphic Ventricular Tachycardia. Identifiers: Orphanet 3286, MedGen C1631597, MONDO:0011484, OMIM 604772.

Submission:

Labcorp Genetics (formerly Invitae), Labcorp
Classification: Uncertain significance for Catecholaminergic polymorphic ventricular tachycardia 1. Last evaluated: 2018-10-04. Review status: criteria provided, single submitter. Criteria: Invitae Variant Classification Sherloc (09022015). Collection method: clinical testing. Allele origin: germline.
Comment: This sequence change replaces leucine with phenylalanine at codon 3846 of the RYR2 protein (p.Leu3846Phe). The leucine residue is highly conserved and there is a small physicochemical difference between leucine and phenylalanine. This variant is not present in population databases (ExAC no frequency). This variant has not been reported in the literature in individuals with RYR2-related disease. Algorithms developed to predict the effect of missense changes on protein structure and function are either unavailable or do not agree on the potential impact of this missense change (SIFT: "Deleterious"; PolyPhen-2: "Probably Damaging"; Align-GVGD: "Class C0"). In summary, the available evidence is currently insufficient to determine the role of this variant in disease. Therefore, it has been classified as a Variant of Uncertain Significance.